The following is an entry in ClinVar:

NM_199420.4(POLQ):c.3157G>A (p.Asp1053Asn)

Gene: POLQ (DNA polymerase theta; minus strand). Cytogenetic location: 3q13.33.
Variant type: single nucleotide variant.
Coding change: c.3157G>A on transcript NM_199420.4 (MANE Select); coding-DNA position 3157, G replaced by A.
Protein change: p.Asp1053Asn; replaces aspartic acid 1053 with asparagine.
Molecular consequence: missense variant.
Genome position (GRCh38, 1-based): chr3:121,489,774, C>T on the plus strand (G>A on the coding strand, the complement: POLQ is on the minus strand). VCF-style: chr3-121489774-C-T. GRCh37 (hg19) VCF-style: chr3-121208621-C-T.
Other names: short protein forms D1053N.
Identifiers: ClinVar variation 1728245 (VCV001728245.2), dbSNP rs1285347673, ClinGen allele CA354101502.

ClinVar aggregate classification (germline): Uncertain significance (1 of 4 stars; one submission).

Allele frequency attached by ClinVar (database versions not stated): gnomAD exomes below 0.00001.
gnomAD v4.1: 2 of 1,612,726 alleles (0.00012%); highest among the groups gnomAD compares: South Asian, 0.0011%; no homozygotes.

Submission:

Ambry Genetics
Classification: Uncertain significance. Last evaluated: 2021-07-26. Review status: criteria provided, single submitter. Criteria: Ambry Variant Classification Scheme 2023. Collection method: clinical testing. Allele origin: germline.
Comment: The p.D1053N variant (also known as c.3157G>A), located in coding exon 16 of the POLQ gene, results from a G to A substitution at nucleotide position 3157. The aspartic acid at codon 1053 is replaced by asparagine, an amino acid with highly similar properties. This amino acid position is conserved. In addition, this alteration is predicted to be tolerated by in silico analysis. Since supporting evidence is limited at this time, the clinical significance of this alteration remains unclear.